The following is an entry in ClinVar:

NM_001267550.2(TTN):c.59685C>T (p.Tyr19895=)

Genes: TTN (titin; minus strand), TTN-AS1 (TTN antisense RNA 1; plus strand), LOC126806424 (CDK7 strongly-dependent group 2 enhancer GRCh37_chr2:179456337-179457536; plus strand). Cytogenetic location: 2q31.2.
Variant type: single nucleotide variant.
Coding change: c.59685C>T on transcript NM_001267550.2 (MANE Select); coding-DNA position 59685, C replaced by T.
Protein change: p.Tyr19895=; no amino-acid change (tyrosine 19895 retained).
Molecular consequence: synonymous variant.
Genome position (GRCh38, 1-based): chr2:178,592,219, G>A on the plus strand (C>T on the coding strand, the complement: TTN is on the minus strand). VCF-style: chr2-178592219-G-A. GRCh37 (hg19) VCF-style: chr2-179456946-G-A.
Other names: c.51981C>T, p.Tyr17327= (NM_133378.4); c.54762C>T, p.Tyr18254= (NM_001256850.1); c.32490C>T, p.Tyr10830= (NM_003319.4); c.32865C>T, p.Tyr10955= (NM_133432.3); c.33066C>T, p.Tyr11022= (NM_133437.4).
Identifiers: ClinVar variation 47153 (VCV000047153.14), dbSNP rs397517644, ClinGen allele CA140148.
Genomic context (GRCh38, chr2:178,592,219, plus strand): 5'-CTCAACCACATAATTGGTAATAACAGAACCACCATCATCCAGTGGTTCTTTCCAAGTAAG[G>A]TAACATGAATCTTTCCTAATTTCACTGACTTCCAGATCTCTAGGTGGCCCAGGTTTATCT-3'
Protein context (NP_001254479.2, residues 19885-19905): EVSEIRKDSC[Tyr19895=]LTWKEPLDDG

ClinVar aggregate classification (germline): Likely benign. Review status: criteria provided, multiple submitters, no conflicts (2 of 4 stars). 2 submissions from 2 submitters: Likely benign (2). Last evaluated 2024-09-10.

Conditions:
Dilated cardiomyopathy 1G (CMD1G). Identifiers: Orphanet 154, MedGen C1858763, MONDO:0011400, OMIM 604145.
Autosomal recessive limb-girdle muscular dystrophy type 2J (LGMDR10). Also called: Limb-girdle muscular dystrophy, type 2J; MUSCULAR DYSTROPHY, LIMB-GIRDLE, AUTOSOMAL RECESSIVE 10. Identifiers: Orphanet 140922, MedGen C1837342, MONDO:0012127, OMIM 608807.

Allele frequency attached by ClinVar (database versions not stated): gnomAD 0.00001.
gnomAD v4.1: 17 of 1,611,640 alleles (0.0011%); highest among the groups gnomAD compares: African/African-American, 0.0027%; no homozygotes.

Submissions (2):

Labcorp Genetics (formerly Invitae), Labcorp
Classification: Likely benign for Dilated cardiomyopathy 1G; Autosomal recessive limb-girdle muscular dystrophy type 2J. Last evaluated: 2024-09-10. Review status: criteria provided, single submitter. Criteria: Invitae Variant Classification Sherloc (09022015). Collection method: clinical testing. Allele origin: germline.

Laboratory for Molecular Medicine, Mass General Brigham Personalized Medicine
Classification: Likely benign. Last evaluated: 2012-01-10. Review status: criteria provided, single submitter. Criteria: LMM Criteria. Collection method: clinical testing. Allele origin: germline. Observed: 1 variant allele.
Comment: Tyr17327Tyr in exon 255 of TTN: This variant is not expected to have clinical si gnificance because it does not alter an amino acid residue and it is not located within the splice consensus sequence. Tyr17327Tyr in exon 255 of TTN (allele frequency = none available)